The following is an entry in ClinVar:

ClinVar aggregate classification (germline): Uncertain significance (1 of 4 stars; one submission).

gnomAD v4.1: 8 of 1,614,166 alleles (0.0005%); highest among the groups gnomAD compares: Non-Finnish European, 0.00068%; no homozygotes.

Submission:

Ambry Genetics
Classification: Uncertain significance. Last evaluated: 2023-05-31. Review status: criteria provided, single submitter. Criteria: Ambry Variant Classification Scheme 2023. Collection method: clinical testing. Allele origin: germline.
Comment: The p.H416L variant (also known as c.1247A>T), located in coding exon 9 of the RINT1 gene, results from an A to T substitution at nucleotide position 1247. The histidine at codon 416 is replaced by leucine, an amino acid with similar properties. This amino acid position is conserved. In addition, this alteration is predicted to be tolerated by in silico analysis. Since supporting evidence is limited at this time, the clinical significance of this alteration remains unclear.

NM_021930.6(RINT1):c.1247A>T (p.His416Leu)

Gene: RINT1 (RAD50 interactor 1; plus strand). Cytogenetic location: 7q22.3.
Variant type: single nucleotide variant.
Coding change: c.1247A>T on transcript NM_021930.6 (MANE Select); coding-DNA position 1247, A replaced by T.
Protein change: p.His416Leu; replaces histidine 416 with leucine.
Molecular consequence: missense variant. On other transcripts: non-coding transcript variant (1).
Genome position (GRCh38, 1-based): chr7:105,550,400, A>T. VCF-style: chr7-105550400-A-T. GRCh37 (hg19) VCF-style: chr7-105190847-A-T.
Other names: c.1013A>T, p.His338Leu (NM_001346599.2); c.224A>T, p.His75Leu (NM_001346600.2, NM_001346603.2); c.323A>T, p.His108Leu (NM_001346601.2); short protein forms H338L, H108L, H75L, H416L.
Identifiers: ClinVar variation 2560472 (VCV002560472.2), dbSNP rs1562850235, ClinGen allele CA368809280.